The following is an entry in ClinVar:

NM_004370.6(COL12A1):c.257C>A (p.Pro86His)

Gene: COL12A1 (collagen type XII alpha 1 chain; minus strand). Cytogenetic location: 6q13.
Variant type: single nucleotide variant.
Coding change: c.257C>A on transcript NM_004370.6 (MANE Select); coding-DNA position 257, C replaced by A.
Protein change: p.Pro86His; replaces proline 86 with histidine.
Molecular consequence: missense variant. On other transcripts: intron variant (2).
Genome position (GRCh38, 1-based): chr6:75,192,289, G>T on the plus strand (C>A on the coding strand, the complement: COL12A1 is on the minus strand). VCF-style: chr6-75192289-G-T. GRCh37 (hg19) VCF-style: chr6-75902005-G-T.
Other names: c.257C>A, p.Pro86His (NM_001424113.1, NM_001424114.1, NM_001424115.1); c.73+10431C>A (NM_001424116.1, NM_080645.3); short protein forms P86H.
Identifiers: ClinVar variation 4783270 (VCV004783270.1).

ClinVar aggregate classification (germline): Uncertain significance (1 of 4 stars; one submission).

Conditions:
Ullrich congenital muscular dystrophy 2 (UCMD2). Identifiers: Orphanet 75840, MedGen C4225314, MONDO:0014654, OMIM 616470.
Bethlem myopathy 2 (BTHLM2). Identifiers: Orphanet 536516, Orphanet 610, MedGen C4225313, MONDO:0034022, OMIM 616471.

gnomAD v4.1: 2 of 1,611,324 alleles (0.00012%); highest among the groups gnomAD compares: Non-Finnish European, 0.00017%; no homozygotes.

Submission:

Labcorp Genetics (formerly Invitae), Labcorp
Classification: Uncertain significance for Bethlem myopathy 2; Ullrich congenital muscular dystrophy 2. Last evaluated: 2025-02-18. Review status: criteria provided, single submitter. Criteria: Invitae Variant Classification Sherloc (09022015). Collection method: clinical testing. Allele origin: germline.
Comment: This sequence change replaces proline, which is neutral and non-polar, with histidine, which is basic and polar, at codon 86 of the COL12A1 protein (p.Pro86His). This variant is present in population databases (no rsID available, gnomAD 0.0009%). This variant has not been reported in the literature in individuals affected with COL12A1-related conditions. Invitae Evidence Modeling of protein sequence and biophysical properties (such as structural, functional, and spatial information, amino acid conservation, physicochemical variation, residue mobility, and thermodynamic stability) has been performed for this missense variant. However, the output from this modeling did not meet the statistical confidence thresholds required to predict the impact of this variant on COL12A1 protein function. In summary, the available evidence is currently insufficient to determine the role of this variant in disease. Therefore, it has been classified as a Variant of Uncertain Significance.